The following is an entry in ClinVar:

NM_000038.6(APC):c.1943C>T (p.Thr648Ile)

Gene: APC (APC regulator of Wnt signaling pathway; plus strand). Cytogenetic location: 5q22.2.
Variant type: single nucleotide variant.
Coding change: c.1943C>T on transcript NM_000038.6 (MANE Select); coding-DNA position 1943, C replaced by T.
Protein change: p.Thr648Ile; replaces threonine 648 with isoleucine.
Molecular consequence: missense variant. On other transcripts: non-coding transcript variant (2).
Genome position (GRCh38, 1-based): chr5:112,835,150, C>T. VCF-style: chr5-112835150-C-T. GRCh37 (hg19) VCF-style: chr5-112170847-C-T.
Other names: c.1943C>T, p.Thr648Ile (NM_001127510.3, NM_001354895.2, NM_001407450.1); c.1889C>T, p.Thr630Ile (NM_001127511.3); c.1997C>T, p.Thr666Ile (NM_001354896.2, NM_001407447.1, NM_001407448.1 and 1 more transcripts); c.1973C>T, p.Thr658Ile (NM_001354897.2); c.1868C>T, p.Thr623Ile (NM_001354898.2); c.1859C>T, p.Thr620Ile (NM_001354899.2); c.1820C>T, p.Thr607Ile (NM_001354900.2); c.1766C>T, p.Thr589Ile (NM_001354901.2, NM_001407453.1); and 11 more; short protein forms T365I, T522I, T547I, T623I, T676I, T557I, T607I, T620I.
Identifiers: ClinVar variation 2856252 (VCV002856252.3), dbSNP rs2149844323, ClinGen allele CA16025563.

ClinVar aggregate classification (germline): Uncertain significance (1 of 4 stars; one submission).

Conditions:
Familial adenomatous polyposis 1 (FAP1). Also called: FAMILIAL ADENOMATOUS POLYPOSIS 1, ATTENUATED; POLYPOSIS, ADENOMATOUS INTESTINAL. Identifiers: MedGen C2713442, MONDO:0021056, OMIM 175100. Disease mechanism: loss of function.

Submission:

Labcorp Genetics (formerly Invitae), Labcorp
Classification: Uncertain significance for Familial adenomatous polyposis 1. Last evaluated: 2023-04-18. Review status: criteria provided, single submitter. Criteria: Invitae Variant Classification Sherloc (09022015). Collection method: clinical testing. Allele origin: germline.
Comment: In summary, the available evidence is currently insufficient to determine the role of this variant in disease. Therefore, it has been classified as a Variant of Uncertain Significance. Advanced modeling of protein sequence and biophysical properties (such as structural, functional, and spatial information, amino acid conservation, physicochemical variation, residue mobility, and thermodynamic stability) performed at Invitae indicates that this missense variant is not expected to disrupt APC protein function. This variant has not been reported in the literature in individuals affected with APC-related conditions. This variant is not present in population databases (gnomAD no frequency). This sequence change replaces threonine, which is neutral and polar, with isoleucine, which is neutral and non-polar, at codon 648 of the APC protein (p.Thr648Ile).